The following is an entry in ClinVar:

ClinVar aggregate classification (germline): Benign. Review status: criteria provided, multiple submitters, no conflicts (2 of 4 stars). 4 submissions from 4 submitters: Benign (4). Last evaluated 2021-06-15.

Conditions:
Multiple sulfatase deficiency (MSD). Also called: Multiple Sulfatase Deficiency Disease; Sulfatidosis, Juvenile, Austin Type; Mucosulfatidosis. Identifiers: Orphanet 585, MedGen C0268263, MONDO:0010088, OMIM 272200.

Allele frequency attached by ClinVar (database versions not stated): 1000 Genomes Project 30x 0.88320; 1000 Genomes Project 0.88678; ESP Exome Variant Server 0.89628; TOPMed 0.89709; gnomAD 0.90409 and 0.90873; ExAC 0.96174; gnomAD exomes 0.96828 and 0.98659.
gnomAD v4.1: 1,452,905 of 1,485,362 alleles (98%); highest among the groups gnomAD compares: Non-Finnish European, 100%; 713,971 homozygotes.

Submissions (4):

Pars Genome Lab
Classification: Benign for Multiple sulfatase deficiency. Last evaluated: 2021-06-15. Review status: criteria provided, single submitter. Criteria: ACMG Guidelines, 2015. Collection method: clinical testing. Allele origin: germline. Affected: no.

GeneDx
Classification: Benign. Last evaluated: 2018-06-19. Review status: criteria provided, single submitter. Criteria: GeneDx Variant Classification (06012015). Collection method: clinical testing. Allele origin: germline. Affected: yes.
Comment: This variant is considered likely benign or benign based on one or more of the following criteria: it is a conservative change, it occurs at a poorly conserved position in the protein, it is predicted to be benign by multiple in silico algorithms, and/or has population frequency not consistent with disease.

Breakthrough Genomics
Classification: Benign. Review status: criteria provided, single submitter. Criteria: ACMG Guidelines, 2015. Collection method: not provided. Allele origin: germline. Inheritance: Autosomal recessive inheritance. Affected: yes.

PreventionGenetics, part of Exact Sciences
Classification: Benign. Review status: criteria provided, single submitter. Criteria: ACMG Guidelines, 2015. Collection method: clinical testing. Allele origin: germline.

NM_182760.4(SUMF1):c.602+50G>A

Gene: SUMF1 (sulfatase modifying factor 1; minus strand). Cytogenetic location: 3p26.1.
Variant type: single nucleotide variant.
Coding change: c.602+50G>A on transcript NM_182760.4 (MANE Select); 50 bases into the intron after coding-DNA position 602, G replaced by A.
Molecular consequence: intron variant.
Genome position (GRCh38, 1-based): chr3:4,420,014, C>T on the plus strand (G>A on the coding strand, the complement: SUMF1 is on the minus strand). VCF-style: chr3-4420014-C-T. GRCh37 (hg19) VCF-style: chr3-4461698-C-T.
Other names: c.527+50G>A (NM_001164674.2); c.602+50G>A (NM_001164675.2).
Identifiers: ClinVar variation 263009 (VCV000263009.5), dbSNP rs711666, ClinGen allele CA2230532.